The following is an entry in ClinVar:

NM_145059.3(FCSK):c.1071G>A (p.Glu357=)

Gene: FCSK (fucose kinase; plus strand). Cytogenetic location: 16q22.1.
Variant type: single nucleotide variant.
Coding change: c.1071G>A on transcript NM_145059.3 (MANE Select); coding-DNA position 1071, G replaced by A.
Protein change: p.Glu357=; no amino-acid change (glutamic acid 357 retained).
Molecular consequence: synonymous variant.
Genome position (GRCh38, 1-based): chr16:70,470,973, G>A. VCF-style: chr16-70470973-G-A. GRCh37 (hg19) VCF-style: chr16-70504876-G-A.
Identifiers: ClinVar variation 737177 (VCV000737177.10), dbSNP rs200396056, ClinGen allele CA8143210.
Genomic context (GRCh38, chr16:70,470,973, plus strand): 5'-GAGCTGGGGCAGCCCTGGGCCTCGACCCCCCTCATGCTCCTCCTACCTGGCTGCACAGGA[G>A]CAGCAGCTTCTGGCGGCCGGGAGCTCTGTGGTCAGCTGCCTGCTGGAGGGCCCTGTCCAG-3'
Protein context (NP_659496.2, residues 347-367): GAQIVHSQVE[Glu357=]QQLLAAGSSV

ClinVar aggregate classification (germline): Benign. Review status: criteria provided, single submitter (1 of 4 stars). 2 submissions from 2 submitters: Benign (1). 1 of the submissions does not count toward it. Last evaluated 2026-02-01.

Conditions:
FCSK-related disorder. Also called: FCSK-related condition.

Allele frequency attached by ClinVar (database versions not stated): ESP Exome Variant Server 0.00057; gnomAD 0.00069 and 0.00074; 1000 Genomes Project 30x 0.00078; TOPMed 0.00097; 1000 Genomes Project 0.00100.
gnomAD v4.1: 222 of 1,581,790 alleles (0.014%); highest among the groups gnomAD compares: African/African-American, 0.25%; no homozygotes.

Submissions (2):

Labcorp Genetics (formerly Invitae), Labcorp
Classification: Benign. Last evaluated: 2026-02-01. Review status: criteria provided, single submitter. Criteria: Invitae Variant Classification Sherloc (09022015). Collection method: clinical testing. Allele origin: germline.

PreventionGenetics, part of Exact Sciences
Classification: Likely benign for FCSK-related condition. Last evaluated: 2019-11-14. Review status: no assertion criteria provided. Collection method: clinical testing. Allele origin: germline. Not counted in ClinVar's aggregate classification.
Comment: This variant is classified as likely benign based on ACMG/AMP sequence variant interpretation guidelines (Richards et al. 2015 PMID: 25741868, with internal and published modifications).